The following is an entry in ClinVar:

ClinVar aggregate classification (germline): Uncertain significance (1 of 4 stars; one submission).

Allele frequency attached by ClinVar (database versions not stated): TOPMed 0.00002; gnomAD 0.00003; ExAC 0.00004; gnomAD exomes 0.00004 and 0.00008; ESP Exome Variant Server 0.00008.
gnomAD v4.1: 114 of 1,611,496 alleles (0.0071%); highest among the groups gnomAD compares: Non-Finnish European, 0.0093%; no homozygotes.

Submission:

Labcorp Genetics (formerly Invitae), Labcorp
Classification: Uncertain significance. Last evaluated: 2021-08-16. Review status: criteria provided, single submitter. Criteria: Invitae Variant Classification Sherloc (09022015). Collection method: clinical testing. Allele origin: germline.
Comment: This sequence change replaces lysine with glutamic acid at codon 1071 of the PCLO protein (p.Lys1071Glu). The lysine residue is weakly conserved and there is a small physicochemical difference between lysine and glutamic acid. This variant is present in population databases (rs376927890, ExAC 0.006%). This variant has not been reported in the literature in individuals affected with PCLO-related conditions. Algorithms developed to predict the effect of missense changes on protein structure and function output the following: SIFT: "Deleterious"; PolyPhen-2: "Not Available"; Align-GVGD: "Class C0". The glutamic acid amino acid residue is found in multiple mammalian species, which suggests that this missense change does not adversely affect protein function. In summary, the available evidence is currently insufficient to determine the role of this variant in disease. Therefore, it has been classified as a Variant of Uncertain Significance.

NM_033026.6(PCLO):c.3211A>G (p.Lys1071Glu)

Gene: PCLO (piccolo presynaptic cytomatrix protein; minus strand). Cytogenetic location: 7q21.11.
Variant type: single nucleotide variant.
Coding change: c.3211A>G on transcript NM_033026.6 (MANE Select); coding-DNA position 3211, A replaced by G.
Protein change: p.Lys1071Glu; replaces lysine 1071 with glutamic acid.
Molecular consequence: missense variant.
Genome position (GRCh38, 1-based): chr7:83,134,339, T>C on the plus strand (A>G on the coding strand, the complement: PCLO is on the minus strand). VCF-style: chr7-83134339-T-C. GRCh37 (hg19) VCF-style: chr7-82763655-T-C.
Other names: c.3211A>G, p.Lys1071Glu (NM_014510.3); short protein forms K1071E.
Identifiers: ClinVar variation 1427719 (VCV001427719.3), dbSNP rs376927890, ClinGen allele CA4321120.
Genomic context (GRCh38, chr7:83,134,339, plus strand): 5'-CACAGAGATTACACACTTGATTCTTGCATTCAGTGCAAGTATTGAAGTTAGGAGGATCCT[T>C]AGAACCTATGTTGAGTTCAGTTTTGCAGAGAGGACAGGTTGATTCTGGTTTGGGCGATTT-3'
Protein context (NP_149015.2, residues 1061-1081): LCKTELNIGS[Lys1071Glu]DPPNFNTCTE